The following is an entry in ClinVar:

NM_001127511.3(APC):c.165+10G>T

Gene: APC (APC regulator of Wnt signaling pathway; plus strand). Cytogenetic location: 5q22.2.
Variant type: single nucleotide variant.
Coding change: c.165+10G>T on transcript NM_001127511.3; 10 bases into the intron after coding-DNA position 165, G replaced by T.
Molecular consequence: intron variant.
Genome position (GRCh38, 1-based): chr5:112,707,892, G>T. VCF-style: chr5-112707892-G-T. GRCh37 (hg19) VCF-style: chr5-112043589-G-T.
Other names: c.-1054+10G>T (NM_001407470.1, NM_001407472.1); c.-19+10G>T (NM_001407447.1, NM_001354895.2, NM_001407456.1 and 3 more transcripts); c.165+10G>T (NM_001407446.1, NM_001354897.2, NM_001354902.2); c.-19+243G>T (NM_001407448.1, NM_001407450.1, NM_001407457.1 and 1 more transcripts); c.-43+243G>T (NM_001407453.1).
Identifiers: ClinVar variation 537645 (VCV000537645.7), dbSNP rs1296416614, ClinGen allele CA561890341.

ClinVar aggregate classification (germline): Uncertain significance (1 of 4 stars; one submission).

Conditions:
Familial adenomatous polyposis 1 (FAP1). Also called: FAMILIAL ADENOMATOUS POLYPOSIS 1, ATTENUATED; POLYPOSIS, ADENOMATOUS INTESTINAL. Identifiers: MedGen C2713442, MONDO:0021056, OMIM 175100. Disease mechanism: loss of function.

Allele frequency attached by ClinVar (database versions not stated): gnomAD 0.00001; TOPMed 0.00001.

Submission:

Labcorp Genetics (formerly Invitae), Labcorp
Classification: Uncertain significance for Familial adenomatous polyposis 1. Last evaluated: 2025-05-28. Review status: criteria provided, single submitter. Criteria: Invitae Variant Classification Sherloc (09022015). Collection method: clinical testing. Allele origin: germline.
Comment: This variant occurs in a non-coding region of the APC gene. It does not change the encoded amino acid sequence of the APC protein. This variant is present in population databases (no rsID available, gnomAD 0.007%). This variant has not been reported in the literature in individuals affected with APC-related conditions. ClinVar contains an entry for this variant (Variation ID: 537645). Experimental studies and prediction algorithms are not available or were not evaluated, and the functional significance of this variant is currently unknown. In summary, the available evidence is currently insufficient to determine the role of this variant in disease. Therefore, it has been classified as a Variant of Uncertain Significance.